The following is an entry in ClinVar:

NM_000492.4(CFTR):c.1367T>C (p.Val456Ala)

Genes: CFTR (CF transmembrane conductance regulator; plus strand), CFTR-AS1 (CFTR antisense RNA 1; minus strand). Cytogenetic location: 7q31.2.
Variant type: single nucleotide variant.
Coding change: c.1367T>C on transcript NM_000492.4 (MANE Select); coding-DNA position 1367, T replaced by C.
Protein change: p.Val456Ala; replaces valine 456 with alanine.
Molecular consequence: missense variant.
Genome position (GRCh38, 1-based): chr7:117,548,798, T>C. VCF-style: chr7-117548798-T-C. GRCh37 (hg19) VCF-style: chr7-117188852-T-C.
Other names: short protein forms V456A.
Identifiers: ClinVar variation 35821 (VCV000035821.70), dbSNP rs193922500, ClinGen allele CA325689.

ClinVar aggregate classification (germline): Pathogenic. Review status: reviewed by expert panel (3 of 4 stars). 33 submissions from 30 submitters: Pathogenic (1). 32 of the submissions do not count toward it. Last evaluated 2017-12-08.

Conditions:
CFTR-related disorder (CFTR-RD). Also called: CFTR-related condition; CFTR-related disorders. Identifiers: MedGen C5924204, MONDO:7770004.
Cystic fibrosis (CF). Also called: MUCOVISCIDOSIS. Identifiers: Orphanet 586, MedGen C0010674, MONDO:0009061, OMIM 219700. Disease mechanism: loss of function.
Congenital bilateral aplasia of vas deferens from CFTR mutation (CBAVD). Identifiers: Orphanet 48, MedGen C0403814, MONDO:0010178, OMIM 277180. Disease mechanism: loss of function.
Hereditary pancreatitis (PCTT). Also called: Hereditary chronic pancreatitis; PRSS1-Related Hereditary Pancreatitis. Identifiers: Orphanet 676, MedGen C0238339, MONDO:0008185, OMIM 167800.
Bronchiectasis with or without elevated sweat chloride 1 (BESC1). Also called: Cystic Fibrosis-Like Syndrome. Identifiers: Orphanet 60033, MedGen C2749757, MONDO:0008887, OMIM 211400.

Allele frequency attached by ClinVar (database versions not stated): gnomAD exomes 0.00010 and 0.00020; ExAC 0.00024; 1000 Genomes Project 30x 0.00047; 1000 Genomes Project 0.00060; gnomAD below 0.00001 and 0.00008; TOPMed 0.00002.
gnomAD v4.1: 151 of 1,608,738 alleles (0.0094%); highest among the groups gnomAD compares: South Asian, 0.17%; 1 homozygote.

Submissions 1 to 10 of 33:

CFTR2
Classification: Pathogenic for Cystic fibrosis. Last evaluated: 2017-12-08. Review status: reviewed by expert panel. Criteria: Sosnay PR et al. (Nat Genet 2013). Collection method: research. Allele origin: germline. Affected: yes.

Foundation for Research in Genetics and Endocrinology, FRIGE's Institute of Human Genetics
Classification: Pathogenic for Cystic fibrosis. Last evaluated: 2026-06-30. Review status: criteria provided, single submitter. Criteria: ACMG Guidelines, 2015. Collection method: clinical testing. Allele origin: germline. Inheritance: Autosomal recessive inheritance. Affected: yes. Observed: 1 variant allele, 1 compound heterozygote. Not counted in ClinVar's aggregate classification.
Comment: A heterozygous c.1367T>C (p.Val456Ala) variant was detected in exon 10 of the CFTR gene, resulting in the substitution of valine with alanine at amino acid position 456 of the CFTR protein.The in-silico prediction of the variant c.1367T>C is deleterious by MutationTaster, DANN and SIFT. This variant has previously reported in patients affected with cystic fibrosis (PMID:26708955). In summary, the variant meets our criteria to be classified as pathogenic.

Institute of Human Genetics, University of Leipzig Medical Center
Classification: Pathogenic for Cystic fibrosis. Last evaluated: 2026-05-18. Review status: criteria provided, single submitter. Criteria: ACMG Guidelines, 2015. Collection method: clinical testing. Allele origin: unknown. Inheritance: Autosomal recessive inheritance. Affected: yes. Not counted in ClinVar's aggregate classification.

Labcorp Genetics (formerly Invitae), Labcorp
Classification: Pathogenic for Cystic fibrosis. Last evaluated: 2026-01-20. Review status: criteria provided, single submitter. Criteria: Invitae Variant Classification Sherloc (09022015). Collection method: clinical testing. Allele origin: germline. Not counted in ClinVar's aggregate classification.
Comment: This sequence change replaces valine, which is neutral and non-polar, with alanine, which is neutral and non-polar, at codon 456 of the CFTR protein (p.Val456Ala). The frequency data for this variant in the population databases is considered unreliable, as metrics indicate poor data quality at this position in the gnomAD database. This missense change has been observed in individual(s) with cystic fibrosis and congenital absence of the vas deferens (PMID: 14998948, 17035430, 22395041, 22423042, 25489051; internal data). This missense change has been observed to be homozygous, hemizygous or homoplasmic in an individual who did not have the expected clinical features for that genetic result (PMID: 12544470). ClinVar contains an entry for this variant (Variation ID: 35821). Invitae Evidence Modeling of protein sequence and biophysical properties (such as structural, functional, and spatial information, amino acid conservation, physicochemical variation, residue mobility, and thermodynamic stability) indicates that this missense variant is expected to disrupt CFTR protein function with a positive predictive value of 80%. Experimental studies have shown that this missense change affects CFTR function (PMID: 29805046, 30046002). For these reasons, this variant has been classified as Pathogenic.

Natera, Inc.
Classification: Pathogenic for CFTR-related disorders. Last evaluated: 2025-11-04. Review status: criteria provided, single submitter. Criteria: Natera Variant Classification Schema (03/2026). Collection method: clinical testing. Allele origin: germline. Not counted in ClinVar's aggregate classification.
Comment: The c.1367T>C variant in CFTR is a missense variant predicted to cause substitution of valine to alanine at amino acid 456. This variant is rare in the general population with a frequency below the threshold expected for the associated phenotype(s). This variant has been observed in one or more individuals affected with the associated recessive disease, as either homozygous or compound heterozygous with a second variant (PMID: 22395041, 35006361, 30888834). Computational prediction algorithms indicate this variant is likely to affect gene or protein function. Given the available evidence, this variant is classified as Pathogenic.

Victorian Clinical Genetics Services, Murdoch Childrens Research Institute
Classification: Pathogenic for Cystic fibrosis. Last evaluated: 2025-09-23. Review status: criteria provided, single submitter. Criteria: ACMG Guidelines, 2015. Collection method: clinical testing. Allele origin: germline. Affected: yes. Not counted in ClinVar's aggregate classification.
Comment: This variant is classified as Pathogenic. Evidence in support of pathogenic classification: Variant is present in gnomAD (v2) <0.01 for a recessive condition (51 heterozygotes, 0 homozygotes); This variant has strong previous evidence of pathogenicity in unrelated individuals. This variant has been reported many times as pathogenic and likely pathogenic, and has been reported in both homozygous and compound heterozygous individuals with cystic fibrosis (ClinVar, PMID: 31126253); Missense variant consistently predicted to be damaging by multiple in silico tools or highly conserved with a major amino acid change. Additional information: Variant is predicted to result in a missense amino acid change from valine to alanine; This variant is heterozygous; This gene is associated with autosomal recessive disease; Alternative amino acid changes at the same position have been observed in gnomAD (v3) (1 heterozygote, 0 homozygotes); Variant is located in the annotated ABC transporter domain (DECIPHER); Loss of function is a known mechanism of disease in this gene and is associated with cystic fibrosis (MIM#219700).

GeneDx
Classification: Pathogenic. Last evaluated: 2025-03-12. Review status: criteria provided, single submitter. Criteria: GeneDx Variant Classification Process June 2021. Collection method: clinical testing. Allele origin: germline. Affected: yes. Not counted in ClinVar's aggregate classification.
Comment: Published functional studies demonstrate this variant to impact function similar to other known CF-causing variants (PMID: 29805046); In silico analysis supports that this missense variant has a deleterious effect on protein structure/function; This variant is associated with the following publications: (PMID: 29805046, 29216686, 25489051, 28502372, 22395041, 31126253, 31005549, 14998948, 12544470, 24149827, 12357328, 31036917, 34842611, 32366966, 32734384, 22423042, 35652053, 35857025, Conti 2023[Review], 35761057, 34782259, 37313453, 17035430, 38515211, 39841779, 38820269, 38388235, 38488835, 40013628, 38966678, 39356031, 38611676, 39180390)

Ambry Genetics
Classification: Likely pathogenic for Cystic fibrosis. Last evaluated: 2025-01-24. Review status: criteria provided, single submitter. Criteria: Ambry Variant Classification Scheme 2023. Collection method: clinical testing. Allele origin: germline. Not counted in ClinVar's aggregate classification.
Comment: The p.V456A variant (also known as c.1367T>C), located in coding exon 10 of the CFTR gene, results from a T to C substitution at nucleotide position 1367. The valine at codon 456 is replaced by alanine, an amino acid with similar properties. This variant was described in an individual with bronchiectasis and elevated sweat chloride in conjunction with p.F508del; however, the phase was not provided (Ziedalski TM et al. Chest, 2006 Oct;130:995-1002). This variant was also reported in two affected South Asian individuals; one homozygous individual had severe obstructive lung disease with Pseudomonas infection, pancreatic sufficiency, and an intermediate sweat chloride level while the second individual had this variant in conjunction with p.R709* and exhibited pancreatic sufficiency, mild lung disease, and intermediate sweat chloride levels (Uppaluri L et al. J. Cyst. Fibros., 2012 Jul;11:312-5). In addition, this variant was detected in one individual with congenital absence of the vas deferens (CBAVD), but a second CFTR alteration was not reported (Danziger KL et al. Hum. Reprod., 2004 Mar;19:540-6). Functional analysis of this variant in CFBE cells demonstrated 4% activity compared to wild type (Raraigh KS et al. Am. J. Hum. Genet., 2018 Jun;102:1062-1077). This amino acid position is well conserved in available vertebrate species. In addition, this alteration is predicted to be deleterious by in silico analysis. Based on the majority of available evidence to date, this variant is likely to be pathogenic.

Blueprint Genetics
Classification: Pathogenic for CFTR-related disorders. Last evaluated: 2024-08-29. Review status: criteria provided, single submitter. Criteria: ACMG Guidelines, 2015. Collection method: clinical testing. Allele origin: germline. Affected: yes. Observed: 5 variant alleles. Not counted in ClinVar's aggregate classification.

Baylor Genetics
Classification: Pathogenic for Bronchiectasis with or without elevated sweat chloride 1. Last evaluated: 2024-03-27. Review status: criteria provided, single submitter. Criteria: ACMG Guidelines, 2015. Collection method: clinical testing. Allele origin: unknown. Not counted in ClinVar's aggregate classification.